The following is an entry in ClinVar:

ClinVar aggregate classification (germline): Pathogenic (1 of 4 stars; one submission).

Conditions:
SLC3A1-related disorder. Also called: SLC3A1-related condition.

Allele frequency attached by ClinVar (database versions not stated): gnomAD exomes below 0.00001; TOPMed below 0.00001.
gnomAD v4.1: 1 of 1,613,734 alleles (0.000062%); highest among the groups gnomAD compares: Non-Finnish European, 0.000085%; no homozygotes.

Submission:

PreventionGenetics, part of Exact Sciences
Classification: Pathogenic for SLC3A1-related condition. Last evaluated: 2022-12-08. Review status: criteria provided, single submitter. Criteria: ACMG Guidelines, 2015. Collection method: clinical testing. Allele origin: germline.
Comment: The SLC3A1 c.1108C>T variant is predicted to result in premature protein termination (p.Gln370*). To our knowledge, this variant has not been reported in the literature or in a large population database, indicating this variant is rare. Nonsense variants in SLC3A1 are expected to be pathogenic. This variant is interpreted as pathogenic.

NM_000341.4(SLC3A1):c.1108C>T (p.Gln370Ter)

Gene: SLC3A1 (solute carrier family 3 member 1; plus strand). Cytogenetic location: 2p21.
Variant type: single nucleotide variant.
Coding change: c.1108C>T on transcript NM_000341.4 (MANE Select); coding-DNA position 1108, C replaced by T.
Protein change: p.Gln370Ter; replaces glutamine 370 with a stop codon.
Molecular consequence: nonsense.
Genome position (GRCh38, 1-based): chr2:44,301,099, C>T. VCF-style: chr2-44301099-C-T. GRCh37 (hg19) VCF-style: chr2-44528238-C-T.
Other names: short protein forms Q370*.
Identifiers: ClinVar variation 2636765 (VCV002636765.1), dbSNP rs1671994225, ClinGen allele CA346681422.